The following is an entry in ClinVar:

ClinVar aggregate classification (germline): Uncertain significance. Review status: criteria provided, multiple submitters, no conflicts (2 of 4 stars). 2 submissions from 2 submitters: Uncertain significance (2). Last evaluated 2025-04-20.

Conditions:
Brugada syndrome. Also called: Sudden unexpected nocturnal death syndrome; Sudden Unexplained Death Syndrome; Sudden Unexplained Nocturnal Death Syndrome (SUNDS); Sudden unexplained nocturnal death syndrome. Identifiers: Orphanet 130, MedGen C1142166, MONDO:0015263.
Cardiovascular phenotype. Identifiers: MedGen CN230736.

Allele frequency attached by ClinVar (database versions not stated): gnomAD exomes 0.00001.

Submissions (2):

Ambry Genetics
Classification: Uncertain significance for Cardiovascular phenotype. Last evaluated: 2025-04-20. Review status: criteria provided, single submitter. Criteria: Ambry Variant Classification Scheme 2023. Collection method: clinical testing. Allele origin: germline.
Comment: The p.G316A variant (also known as c.947G>C), located in coding exon 7 of the GPD1L gene, results from a G to C substitution at nucleotide position 947. The glycine at codon 316 is replaced by alanine, an amino acid with similar properties. This amino acid position is conserved. In addition, this alteration is predicted to be tolerated by in silico analysis. Based on the available evidence, the clinical significance of this variant remains unclear.

Labcorp Genetics (formerly Invitae), Labcorp
Classification: Uncertain significance for Brugada syndrome. Last evaluated: 2021-08-28. Review status: criteria provided, single submitter. Criteria: Invitae Variant Classification Sherloc (09022015). Collection method: clinical testing. Allele origin: germline.
Comment: This sequence change replaces glycine with alanine at codon 316 of the GPD1L protein (p.Gly316Ala). The glycine residue is moderately conserved and there is a small physicochemical difference between glycine and alanine. This variant is not present in population databases (ExAC no frequency). This variant has not been reported in the literature in individuals affected with GPD1L-related conditions. Algorithms developed to predict the effect of missense changes on protein structure and function output the following: SIFT: "Tolerated"; PolyPhen-2: "Benign"; Align-GVGD: "Class C0". The alanine amino acid residue is found in multiple mammalian species, which suggests that this missense change does not adversely affect protein function. In summary, the available evidence is currently insufficient to determine the role of this variant in disease. Therefore, it has been classified as a Variant of Uncertain Significance.

NM_015141.4(GPD1L):c.947G>C (p.Gly316Ala)

Gene: GPD1L (glycerol-3-phosphate dehydrogenase 1 like; plus strand). Cytogenetic location: 3p22.3.
Variant type: single nucleotide variant.
Coding change: c.947G>C on transcript NM_015141.4 (MANE Select); coding-DNA position 947, G replaced by C.
Protein change: p.Gly316Ala; replaces glycine 316 with alanine.
Molecular consequence: missense variant.
Genome position (GRCh38, 1-based): chr3:32,159,662, G>C. VCF-style: chr3-32159662-G-C. GRCh37 (hg19) VCF-style: chr3-32201154-G-C.
Other names: short protein forms G316A.
Identifiers: ClinVar variation 188326 (VCV000188326.3), dbSNP rs786204216, ClinGen allele CA334618.